The following is an entry in ClinVar:

ClinVar aggregate classification (germline): Uncertain significance (1 of 4 stars; one submission).

Conditions:
Congenital myopathy 22B, severe fetal (CMYO22B). Identifiers: MedGen C5830501, MONDO:0957265, OMIM 620369.

Submission:

Department of Human Genetics, Hannover Medical School
Classification: Uncertain significance for Congenital myopathy 22B, severe fetal. Last evaluated: 2025-02-17. Review status: criteria provided, single submitter. Criteria: ACMG Guidelines, 2015. Collection method: clinical testing. Allele origin: germline. Inheritance: Autosomal recessive inheritance. Affected: yes.
Comment: ACMG: PM1_Supporting, PM2_Supporting, PP3_Moderate

NM_000334.4(SCN4A):c.4489T>C (p.Ser1497Pro)

Genes: GH-LCR (growth hormone locus control region; plus strand), SCN4A (sodium voltage-gated channel alpha subunit 4; minus strand). Cytogenetic location: 17q23.3.
Variant type: single nucleotide variant.
Coding change: c.4489T>C on transcript NM_000334.4 (MANE Select); coding-DNA position 4489, T replaced by C.
Protein change: p.Ser1497Pro; replaces serine 1497 with proline.
Molecular consequence: missense variant.
Genome position (GRCh38, 1-based): chr17:63,941,793, A>G on the plus strand (T>C on the coding strand, the complement: SCN4A is on the minus strand). VCF-style: chr17-63941793-A-G. GRCh37 (hg19) VCF-style: chr17-62019153-A-G.
Other names: short protein forms S1497P.
Identifiers: ClinVar variation 3730836 (VCV003730836.1).